The following is an entry in ClinVar:

NM_025103.4(IFT74):c.79G>T (p.Gly27Trp)

Gene: IFT74 (intraflagellar transport 74; plus strand). Cytogenetic location: 9p21.2.
Variant type: single nucleotide variant.
Coding change: c.79G>T on transcript NM_025103.4 (MANE Select); coding-DNA position 79, G replaced by T.
Protein change: p.Gly27Trp; replaces glycine 27 with tryptophan.
Molecular consequence: missense variant.
Genome position (GRCh38, 1-based): chr9:26,962,046, G>T. VCF-style: chr9-26962046-G-T. GRCh37 (hg19) VCF-style: chr9-26962044-G-T.
Other names: c.79G>T (NM_001099222.1); c.79G>T, p.Gly27Trp (NM_001099222.3, NM_001099223.3, NM_001099224.3 and 1 more transcripts); short protein forms G27W.
Identifiers: ClinVar variation 1991250 (VCV001991250.6), dbSNP rs1325267056, ClinGen allele CA373120331.

ClinVar aggregate classification (germline): Uncertain significance. Review status: criteria provided, multiple submitters, no conflicts (2 of 4 stars). 2 submissions from 2 submitters: Uncertain significance (2). Last evaluated 2023-05-24.

Conditions:
Inborn genetic diseases. Identifiers: MedGen C0950123, MeSH D030342.

gnomAD v4.1: 3 of 1,614,154 alleles (0.00019%); highest among the groups gnomAD compares: Non-Finnish European, 0.00025%; no homozygotes.

Submissions (2):

Ambry Genetics
Classification: Uncertain significance for Inborn genetic diseases. Last evaluated: 2023-05-24. Review status: criteria provided, single submitter. Criteria: Ambry Variant Classification Scheme 2023. Collection method: clinical testing. Allele origin: germline.

Labcorp Genetics (formerly Invitae), Labcorp
Classification: Uncertain significance. Last evaluated: 2022-08-22. Review status: criteria provided, single submitter. Criteria: Invitae Variant Classification Sherloc (09022015). Collection method: clinical testing. Allele origin: germline.
Comment: This variant has not been reported in the literature in individuals affected with IFT74-related conditions. In summary, the available evidence is currently insufficient to determine the role of this variant in disease. Therefore, it has been classified as a Variant of Uncertain Significance. Algorithms developed to predict the effect of missense changes on protein structure and function are either unavailable or do not agree on the potential impact of this missense change (SIFT: "Deleterious"; PolyPhen-2: "Possibly Damaging"; Align-GVGD: "Class C15"). This variant is present in population databases (no rsID available, gnomAD 0.0009%). This sequence change replaces glycine, which is neutral and non-polar, with tryptophan, which is neutral and slightly polar, at codon 27 of the IFT74 protein (p.Gly27Trp).